The following is an entry in ClinVar:

ClinVar aggregate classification (germline): Benign/Likely benign. Review status: criteria provided, multiple submitters, no conflicts (2 of 4 stars). 5 submissions from 5 submitters: Benign (2); Likely benign (3). Last evaluated 2026-01-27.

Conditions:
Inborn genetic diseases. Identifiers: MedGen C0950123, MeSH D030342.

Allele frequency attached by ClinVar (database versions not stated): gnomAD 0.00221 and 0.00242; ESP Exome Variant Server 0.00231; 1000 Genomes Project 0.00240; 1000 Genomes Project 30x 0.00250; TOPMed 0.00308.
gnomAD v4.1: 656 of 1,614,136 alleles (0.041%); highest among the groups gnomAD compares: African/African-American, 0.66%; 5 homozygotes.

Submissions (5):

Labcorp Genetics (formerly Invitae), Labcorp
Classification: Benign. Last evaluated: 2026-01-27. Review status: criteria provided, single submitter. Criteria: Invitae Variant Classification Sherloc (09022015). Collection method: clinical testing. Allele origin: germline.

CeGaT Center for Human Genetics Tuebingen
Classification: Likely benign. Last evaluated: 2025-11-01. Review status: criteria provided, single submitter. Criteria: CeGaT Center For Human Genetics Tuebingen Variant Classification Criteria Version 2. Collection method: clinical testing. Allele origin: germline. Affected: yes. Observed: 3 variant alleles.
Comment: MRAS: BP4, BP7

Blueprint Genetics
Classification: Likely benign. Last evaluated: 2024-07-18. Review status: criteria provided, single submitter. Criteria: ACMG Guidelines, 2015. Collection method: clinical testing. Allele origin: germline.

Ambry Genetics
Classification: Likely benign for Inborn genetic diseases. Last evaluated: 2022-03-07. Review status: criteria provided, single submitter. Criteria: Ambry Variant Classification Scheme 2023. Collection method: clinical testing. Allele origin: germline.

Women's Health and Genetics/Laboratory Corporation of America, LabCorp
Classification: Benign. Last evaluated: 2017-07-05. Review status: criteria provided, single submitter. Criteria: LabCorp Variant Classification Summary - May 2015. Collection method: clinical testing. Allele origin: germline.
Comment: Variant summary: The MRAS c.306C>T (p.His102His) variant involves the alteration of a non-conserved nucleotide, resulting in a synonymous change. Mutation taster predicts a damaging outcome for this variant. 5/5 splice prediction tools predict no significant impact on normal splicing. ESE finder predicts that this variant may affect binding of multiple ESE sites. However, these predictions have yet to be confirmed by functional studies. This variant was found in 89/121104 control chromosomes (1 homozygote) at a frequency of 0.0007349, which is approximately 294 times the estimated maximal expected allele frequency of a pathogenic MRAS variant (0.0000025), suggesting this variant is likely a benign polymorphism. The variant of interest has not, to our knowledge, been reported in affected individuals via publications and/or reputable databases/clinical diagnostic laboratories. Taken together, this variant is classified as benign.

NM_001085049.3(MRAS):c.306C>T (p.His102=)

Gene: MRAS (muscle RAS oncogene homolog; plus strand). Cytogenetic location: 3q22.3.
Variant type: single nucleotide variant.
Coding change: c.306C>T on transcript NM_001085049.3 (MANE Select); coding-DNA position 306, C replaced by T.
Protein change: p.His102=; no amino-acid change (histidine 102 retained).
Molecular consequence: synonymous variant.
Genome position (GRCh38, 1-based): chr3:138,397,436, C>T. VCF-style: chr3-138397436-C-T. GRCh37 (hg19) VCF-style: chr3-138116278-C-T.
Other names: c.306C>T, p.His102= (NM_001252090.2, NM_012219.4); c.78C>T, p.His26= (NM_001252091.1, NM_001252092.2, NM_001252093.2).
Identifiers: ClinVar variation 496409 (VCV000496409.35), dbSNP rs138905383, ClinGen allele CA2636973.
Genomic context (GRCh38, chr3:138,397,436, plus strand): 5'-GCGCACGGGGGATGGCTTCCTCATCGTCTACTCCGTCACTGACAAGGCCAGCTTTGAGCA[C>T]GTGGACCGCTTCCACCAGCTTATCCTGCGCGTCAAAGACAGGTGAGCATCAAAGACAGGT-3'
Protein context (NP_001078518.1, residues 92-112): YSVTDKASFE[His102=]VDRFHQLILR